The following is an entry in ClinVar:

NM_000321.3(RB1):c.1421+1G>T

Gene: RB1 (RB transcriptional corepressor 1; plus strand). Cytogenetic location: 13q14.2.
Variant type: single nucleotide variant.
Coding change: c.1421+1G>T on transcript NM_000321.3 (MANE Select); the canonical splice donor site of the intron after coding-DNA position 1421, G replaced by T.
Molecular consequence: splice donor variant.
Genome position (GRCh38, 1-based): chr13:48,380,085, G>T. VCF-style: chr13-48380085-G-T. GRCh37 (hg19) VCF-style: chr13-48954221-G-T.
Other names: c.1421+1G>T (NM_001407165.1, NM_001407166.1).
Identifiers: ClinVar variation 3045281 (VCV003045281.2), dbSNP rs1131690886, ClinGen allele CA388162745.

ClinVar aggregate classification (germline): Likely pathogenic (0 of 4 stars; one submission).

Conditions:
RB1-related disorder. Also called: RB1-related condition.

Submission:

PreventionGenetics, part of Exact Sciences
Classification: Likely pathogenic for RB1-related condition. Last evaluated: 2024-02-12. Review status: no assertion criteria provided. Collection method: clinical testing. Allele origin: germline.
Comment: The RB1 c.1421+1G>T variant is predicted to disrupt the GT donor site and interfere with normal splicing. To our knowledge, this variant has not been reported in the literature or in a large population database, indicating this variant is rare. Variants that disrupt a consensus splice donor site in RB1 are expected to be pathogenic. Multiple other variants altering this canonical splice junction have been reported as causative (Zou et al. 2021. PubMed ID: 33456302; Reddy et al. 2021. PubMed ID: 32835838). This variant is interpreted as likely pathogenic.